The following is an entry in ClinVar:

ClinVar aggregate classification (germline): Benign/Likely benign. Review status: criteria provided, multiple submitters, no conflicts (2 of 4 stars). 3 submissions from 3 submitters: Benign (2); Likely benign (1). Last evaluated 2023-04-01.

Allele frequency attached by ClinVar (database versions not stated): 1000 Genomes Project 30x 0.00328; 1000 Genomes Project 0.00359; ESP Exome Variant Server 0.00469; TOPMed 0.00528; gnomAD 0.00620 and 0.00626; ExAC 0.00641; gnomAD exomes 0.00641.
gnomAD v4.1: 12,246 of 1,613,200 alleles (0.76%); highest among the groups gnomAD compares: Non-Finnish European, 0.9%; 70 homozygotes.

Submissions (3):

CeGaT Center for Human Genetics Tuebingen
Classification: Likely benign. Last evaluated: 2023-04-01. Review status: criteria provided, single submitter. Criteria: CeGaT Center For Human Genetics Tuebingen Variant Classification Criteria Version 2. Collection method: clinical testing. Allele origin: germline. Affected: yes. Observed: 2 variant alleles.
Comment: SLC9C1: BS2

Labcorp Genetics (formerly Invitae), Labcorp
Classification: Benign. Last evaluated: 2018-08-30. Review status: criteria provided, single submitter. Criteria: Invitae Variant Classification Sherloc (09022015). Collection method: clinical testing. Allele origin: germline.

Breakthrough Genomics
Classification: Benign. Review status: criteria provided, single submitter. Criteria: ACMG Guidelines, 2015. Collection method: not provided. Allele origin: germline. Inheritance: Unknown mechanism. Affected: yes.

NM_183061.3(SLC9C1):c.2958T>A (p.Phe986Leu)

Gene: SLC9C1 (solute carrier family 9 member C1; minus strand). Cytogenetic location: 3q13.2.
Variant type: single nucleotide variant.
Coding change: c.2958T>A on transcript NM_183061.3 (MANE Select); coding-DNA position 2958, T replaced by A.
Protein change: p.Phe986Leu; replaces phenylalanine 986 with leucine.
Molecular consequence: missense variant. On other transcripts: non-coding transcript variant (1).
Genome position (GRCh38, 1-based): chr3:112,169,290, A>T on the plus strand (T>A on the coding strand, the complement: SLC9C1 is on the minus strand). VCF-style: chr3-112169290-A-T. GRCh37 (hg19) VCF-style: chr3-111888137-A-T.
Other names: c.2814T>A, p.Phe938Leu (NM_001320531.2); short protein forms F938L, F986L.
Identifiers: ClinVar variation 774845 (VCV000774845.28), dbSNP rs144423530, ClinGen allele CA2538078.